The following is an entry in ClinVar:

ClinVar aggregate classification (germline): Uncertain significance (1 of 4 stars; one submission).

Conditions:
Inborn genetic diseases. Identifiers: MedGen C0950123, MeSH D030342.

Submission:

Ambry Genetics
Classification: Uncertain significance for Inborn genetic diseases. Last evaluated: 2024-11-15. Review status: criteria provided, single submitter. Criteria: Ambry Variant Classification Scheme 2023. Collection method: clinical testing. Allele origin: germline.
Comment: The p.D2084E variant (also known as c.6252T>G), located in coding exon 42 of the LRRK2 gene, results from a T to G substitution at nucleotide position 6252. The aspartic acid at codon 2084 is replaced by glutamic acid, an amino acid with highly similar properties. This amino acid position is conserved. In addition, the in silico prediction for this alteration is inconclusive. Based on the available evidence, the clinical significance of this variant remains unclear.

NM_198578.4(LRRK2):c.6252T>G (p.Asp2084Glu)

Gene: LRRK2 (leucine rich repeat kinase 2; plus strand). Cytogenetic location: 12q12.
Variant type: single nucleotide variant.
Coding change: c.6252T>G on transcript NM_198578.4 (MANE Select); coding-DNA position 6252, T replaced by G.
Protein change: p.Asp2084Glu; replaces aspartic acid 2084 with glutamic acid.
Molecular consequence: missense variant.
Genome position (GRCh38, 1-based): chr12:40,346,895, T>G. VCF-style: chr12-40346895-T-G. GRCh37 (hg19) VCF-style: chr12-40740697-T-G.
Other names: short protein forms D2084E.
Identifiers: ClinVar variation 3540782 (VCV003540782.1).
Genomic context (GRCh38, chr12:40,346,895, plus strand): 5'-TGACATTTTGACAACTGGAGGTAGAATAGTAGAGGGTTTGAAGTTTCCAAATGAGTTTGA[T>G]GAATTAGAAATACAAGGAAAATTACCTGGTAAGTTCTGTTTTCTCTACAATGAAGATTTT-3'
Protein context (NP_940980.4, residues 2074-2094): VEGLKFPNEF[Asp2084Glu]ELEIQGKLPD